The following is an entry in ClinVar:

ClinVar aggregate classification (germline): Benign. Review status: criteria provided, single submitter (1 of 4 stars). 2 submissions from 1 submitter: Benign (2). Last evaluated 2018-03-06.

Conditions:
Hypoalphalipoproteinemia, primary, 1. Identifiers: Orphanet 425, MedGen C5231558, MONDO:0011393, OMIM 604091.
Tangier disease (TGD). Also called: HIGH DENSITY LIPOPROTEIN DEFICIENCY, TANGIER TYPE; HIGH DENSITY LIPOPROTEIN DEFICIENCY, TYPE 1; Cholesterol thesaurismosis. Identifiers: Orphanet 31150, MedGen C0039292, MONDO:0008783, OMIM 205400.

Allele frequency attached by ClinVar (database versions not stated): 1000 Genomes Project 0.00899; 1000 Genomes Project 30x 0.00953; gnomAD exomes 0.01923; TOPMed 0.02043; gnomAD 0.02429.
gnomAD v4.1: 3,396 of 152,348 alleles (2.2%); highest among the groups gnomAD compares: Non-Finnish European, 3.5%; 65 homozygotes.

Submissions (2):

Illumina Laboratory Services, Illumina
Classification: Benign for Tangier disease. Last evaluated: 2018-03-06. Review status: criteria provided, single submitter. Criteria: ICSL Variant Classification Criteria 13 December 2019. Collection method: clinical testing. Allele origin: germline.
Comment: This variant was observed in the ICSL laboratory as part of a predisposition screen in an ostensibly healthy population. It had not been previously curated by ICSL or reported in the Human Gene Mutation Database (HGMD: prior to June 1st, 2018), and was therefore a candidate for classification through an automated scoring system. Utilizing variant allele frequency, disease prevalence and penetrance estimates, and inheritance mode, an automated score was calculated to assess if this variant is too frequent to cause the disease. Based on the score and internal cut-off values, a variant classified as benign is not then subjected to further curation. The score for this variant resulted in a classification of benign for this disease.

Illumina Laboratory Services, Illumina
Classification: Benign for Hypoalphalipoproteinemia, primary, 1. Last evaluated: 2018-03-06. Review status: criteria provided, single submitter. Criteria: ICSL Variant Classification Criteria 13 December 2019. Collection method: clinical testing. Allele origin: germline.
Comment: the same text as in the submission from Illumina Laboratory Services, Illumina above.

NM_005502.4(ABCA1):c.-279C>G

Genes: ABCA1 (ATP binding cassette subfamily A member 1; minus strand), LOC105376196 (uncharacterized LOC105376196; plus strand). Cytogenetic location: 9q31.1.
Variant type: single nucleotide variant.
Coding change: c.-279C>G on transcript NM_005502.4 (MANE Select); 279 bases upstream of the start codon, C replaced by G.
Molecular consequence: 5 prime UTR variant.
Genome position (GRCh38, 1-based): chr9:104,928,121, G>C on the plus strand (C>G on the coding strand, the complement: ABCA1 is on the minus strand). VCF-style: chr9-104928121-G-C. GRCh37 (hg19) VCF-style: chr9-107690402-G-C.
Identifiers: ClinVar variation 364479 (VCV000364479.5), dbSNP rs111292742, ClinGen allele CA10631981.